The following is an entry in ClinVar:

ClinVar aggregate classification (germline): Uncertain significance. Review status: criteria provided, multiple submitters, no conflicts (2 of 4 stars). 2 submissions from 2 submitters: Uncertain significance (2). Last evaluated 2025-11-17.

Allele frequency attached by ClinVar (database versions not stated): gnomAD 0.00001; TOPMed 0.00003; gnomAD exomes 0.00004; ExAC 0.00007.

Submissions (2):

Labcorp Genetics (formerly Invitae), Labcorp
Classification: Uncertain significance. Last evaluated: 2025-11-17. Review status: criteria provided, single submitter. Criteria: Invitae Variant Classification Sherloc (09022015). Collection method: clinical testing. Allele origin: germline.
Comment: This sequence change replaces serine, which is neutral and polar, with leucine, which is neutral and non-polar, at codon 1218 of the ADGRA3 protein (p.Ser1218Leu). This variant is present in population databases (rs759989405, gnomAD 0.01%). This variant has not been reported in the literature in individuals affected with ADGRA3-related conditions. ClinVar contains an entry for this variant (Variation ID: 2421973). An algorithm developed to predict the effect of missense changes on protein structure and function (PolyPhen-2) suggests that this variant is likely to be tolerated. In summary, the available evidence is currently insufficient to determine the role of this variant in disease. Therefore, it has been classified as a Variant of Uncertain Significance.

Ambry Genetics
Classification: Uncertain significance. Last evaluated: 2025-03-27. Review status: criteria provided, single submitter. Criteria: Ambry Variant Classification Scheme 2023. Collection method: clinical testing. Allele origin: germline.

NM_145290.4(ADGRA3):c.3653C>T (p.Ser1218Leu)

Gene: ADGRA3 (adhesion G protein-coupled receptor A3; minus strand). Cytogenetic location: 4p15.2.
Variant type: single nucleotide variant.
Coding change: c.3653C>T on transcript NM_145290.4 (MANE Select); coding-DNA position 3653, C replaced by T.
Protein change: p.Ser1218Leu; replaces serine 1218 with leucine.
Molecular consequence: missense variant.
Genome position (GRCh38, 1-based): chr4:22,388,018, G>A on the plus strand (C>T on the coding strand, the complement: ADGRA3 is on the minus strand). VCF-style: chr4-22388018-G-A. GRCh37 (hg19) VCF-style: chr4-22389641-G-A.
Other names: c.3653C>T (NM_145290.2); short protein forms S1218L.
Identifiers: ClinVar variation 2421973 (VCV002421973.7), dbSNP rs759989405, ClinGen allele CA2873323.
Genomic context (GRCh38, chr4:22,388,018, plus strand): 5'-TCTTGCTGGGGTGGGTTGTACTGTCTCTCTCTGTAGGCTAAATAAGCTCTTCGGCTCCTC[G>A]AGTGTCCTTCGTTATTGCCCAGCCGGCTTTTAGGTAAGCCGTTCTGCACGCTTCCTTCCA-3'
Protein context (NP_660333.2, residues 1208-1228): KSRLGNNEGH[Ser1218Leu]RSRRAYLAYR